The following is an entry in ClinVar:

NM_025144.4(ALPK1):c.54G>A (p.Leu18=)

Gene: ALPK1 (alpha kinase 1; plus strand). Cytogenetic location: 4q25.
Variant type: single nucleotide variant.
Coding change: c.54G>A on transcript NM_025144.4 (MANE Select); coding-DNA position 54, G replaced by A.
Protein change: p.Leu18=; no amino-acid change (leucine 18 retained).
Molecular consequence: synonymous variant. On other transcripts: 5 prime UTR variant (1).
Genome position (GRCh38, 1-based): chr4:112,377,831, G>A. VCF-style: chr4-112377831-G-A. GRCh37 (hg19) VCF-style: chr4-113298987-G-A.
Other names: c.54G>A, p.Leu18= (NM_001102406.2); c.-26G>A (NM_001253884.2); c.54G>A (NM_001102406.1).
Identifiers: ClinVar variation 2068709 (VCV002068709.6), dbSNP rs116018927, ClinGen allele CA3046235.

ClinVar aggregate classification (germline): Benign. Review status: criteria provided, single submitter (1 of 4 stars). 2 submissions from 2 submitters: Benign (1). 1 of the submissions does not count toward it. Last evaluated 2026-01-25.

Conditions:
ALPK1-related disorder. Also called: ALPK1-related condition.

Allele frequency attached by ClinVar (database versions not stated): ExAC 0.00009; gnomAD 0.00030; ESP Exome Variant Server 0.00031; TOPMed 0.00043; 1000 Genomes Project 0.00080; 1000 Genomes Project 30x 0.00109.
gnomAD v4.1: 90 of 1,613,668 alleles (0.0056%); highest among the groups gnomAD compares: African/African-American, 0.11%; no homozygotes.

Submissions (2):

Labcorp Genetics (formerly Invitae), Labcorp
Classification: Benign. Last evaluated: 2026-01-25. Review status: criteria provided, single submitter. Criteria: Invitae Variant Classification Sherloc (09022015). Collection method: clinical testing. Allele origin: germline.

PreventionGenetics, part of Exact Sciences
Classification: Likely benign for ALPK1-related condition. Last evaluated: 2023-12-06. Review status: no assertion criteria provided. Collection method: clinical testing. Allele origin: germline. Not counted in ClinVar's aggregate classification.
Comment: This variant is classified as likely benign based on ACMG/AMP sequence variant interpretation guidelines (Richards et al. 2015 PMID: 25741868, with internal and published modifications).